The following is an entry in ClinVar:

NM_152564.5(VPS13B):c.2348A>G (p.Gln783Arg)

Gene: VPS13B (vacuolar protein sorting 13 homolog B; plus strand). Cytogenetic location: 8q22.2.
Variant type: single nucleotide variant.
Coding change: c.2348A>G on transcript NM_152564.5 (MANE Select); coding-DNA position 2348, A replaced by G.
Protein change: p.Gln783Arg; replaces glutamine 783 with arginine.
Molecular consequence: missense variant.
Genome position (GRCh38, 1-based): chr8:99,192,890, A>G. VCF-style: chr8-99192890-A-G. GRCh37 (hg19) VCF-style: chr8-100205118-A-G.
Other names: c.2348A>G, p.Gln783Arg (NM_015243.3, NM_017890.5); short protein forms Q783R.
Identifiers: ClinVar variation 1346909 (VCV001346909.5), dbSNP rs765133430, ClinGen allele CA4822891.

ClinVar aggregate classification (germline): Uncertain significance (1 of 4 stars; one submission).

Conditions:
Cohen syndrome (COH1). Also called: Cutis verticis gyrata, retinitis pigmentosa, and sensorineural deafness; PEPPER SYNDROME. Identifiers: Orphanet 193, MedGen C0265223, MONDO:0008999, OMIM 216550.

Allele frequency attached by ClinVar (database versions not stated): ExAC 0.00001; gnomAD 0.00001; gnomAD exomes 0.00001.
gnomAD v4.1: 6 of 1,613,080 alleles (0.00037%); highest among the groups gnomAD compares: Admixed American, 0.0017%; no homozygotes.

Submission:

Labcorp Genetics (formerly Invitae), Labcorp
Classification: Uncertain significance for Cohen syndrome. Last evaluated: 2022-08-15. Review status: criteria provided, single submitter. Criteria: Invitae Variant Classification Sherloc (09022015). Collection method: clinical testing. Allele origin: germline.
Comment: This sequence change replaces glutamine, which is neutral and polar, with arginine, which is basic and polar, at codon 783 of the VPS13B protein (p.Gln783Arg). This variant is present in population databases (rs765133430, gnomAD 0.003%). This variant has not been reported in the literature in individuals affected with VPS13B-related conditions. ClinVar contains an entry for this variant (Variation ID: 1346909). Algorithms developed to predict the effect of missense changes on protein structure and function are either unavailable or do not agree on the potential impact of this missense change (SIFT: "Not Available"; PolyPhen-2: "Possibly Damaging"; Align-GVGD: "Not Available"). In summary, the available evidence is currently insufficient to determine the role of this variant in disease. Therefore, it has been classified as a Variant of Uncertain Significance.